The following is an entry in ClinVar:

NM_000170.3(GLDC):c.1033C>A (p.Pro345Thr)

Gene: GLDC (glycine decarboxylase; minus strand). Cytogenetic location: 9p24.1.
Variant type: single nucleotide variant.
Coding change: c.1033C>A on transcript NM_000170.3 (MANE Select); coding-DNA position 1033, C replaced by A.
Protein change: p.Pro345Thr; replaces proline 345 with threonine.
Molecular consequence: missense variant.
Genome position (GRCh38, 1-based): chr9:6,604,613, G>T on the plus strand (C>A on the coding strand, the complement: GLDC is on the minus strand). VCF-style: chr9-6604613-G-T. GRCh37 (hg19) VCF-style: chr9-6604613-G-T.
Other names: short protein forms P345T.
Identifiers: ClinVar variation 554913 (VCV000554913.17), dbSNP rs373263202, ClinGen allele CA4980896.

ClinVar aggregate classification (germline): Conflicting classifications of pathogenicity. Review status: criteria provided, conflicting classifications (1 of 4 stars). 5 submissions from 5 submitters: Pathogenic (1); Likely pathogenic (1); Uncertain significance (2). 1 of the submissions does not count toward it. Last evaluated 2026-04-15.

Conditions:
Glycine encephalopathy. Also called: Non-ketotic hyperglycinemia; Nonketotic hyperglycinemia. Identifiers: Orphanet 407, MedGen C0751748, MONDO:0011612, HP:0008288.
Glycine encephalopathy 1 (GCE1). Identifiers: MedGen CN376801, MONDO:0958179, OMIM 605899.
Inborn genetic diseases. Identifiers: MedGen C0950123, MeSH D030342.

Allele frequency attached by ClinVar (database versions not stated): gnomAD exomes below 0.00001 and 0.00001; gnomAD 0.00001; ExAC 0.00002; ESP Exome Variant Server 0.00008.
gnomAD v4.1: 6 of 1,612,612 alleles (0.00037%); highest among the groups gnomAD compares: Non-Finnish European, 0.00042%; no homozygotes.

Submissions (5):

Ambry Genetics
Classification: Likely pathogenic for Inborn genetic diseases. Last evaluated: 2026-04-15. Review status: criteria provided, single submitter. Criteria: Ambry Variant Classification Scheme 2023. Collection method: clinical testing. Allele origin: germline.
Comment: The c.1033C>A (p.P345T) alteration is located in exon 7 (coding exon 7) of the GLDC gene. This alteration results from a C to A substitution at nucleotide position 1033, causing the proline (P) at amino acid position 345 to be replaced by a threonine (T). Based on data from gnomAD, this allele has an overall frequency of 0.001% (3/282744) total alleles studied. The highest observed frequency was 0.002% (3/129066) of European (non-Finnish) alleles. This variant has been identified in the homozygous state and/or in conjunction with other GLDC variant(s) in individual(s) with features consistent with GLDC-related glycine encephalopathy; in at least one instance, the variants were identified in trans (Coughlin, 2017). This amino acid position is highly conserved in available vertebrate species. This alteration is predicted to be deleterious by in silico analysis. Based on the available evidence, this alteration is classified as likely pathogenic.

Labcorp Genetics (formerly Invitae), Labcorp
Classification: Pathogenic for Glycine encephalopathy. Last evaluated: 2025-12-01. Review status: criteria provided, single submitter. Criteria: Invitae Variant Classification Sherloc (09022015). Collection method: clinical testing. Allele origin: germline.
Comment: This sequence change replaces proline, which is neutral and non-polar, with threonine, which is neutral and polar, at codon 345 of the GLDC protein (p.Pro345Thr). This variant is present in population databases (rs373263202, gnomAD 0.002%). This missense change has been observed in individual(s) with glycine encephalopathy (PMID: 27362913). In at least one individual the data is consistent with being in trans (on the opposite chromosome) from a pathogenic variant. ClinVar contains an entry for this variant (Variation ID: 554913). Invitae Evidence Modeling of protein sequence and biophysical properties (such as structural, functional, and spatial information, amino acid conservation, physicochemical variation, residue mobility, and thermodynamic stability) indicates that this missense variant is expected to disrupt GLDC protein function with a positive predictive value of 95%. For these reasons, this variant has been classified as Pathogenic.

Women's Health and Genetics/Laboratory Corporation of America, LabCorp
Classification: Uncertain significance. Last evaluated: 2025-08-29. Review status: criteria provided, single submitter. Criteria: LabCorp Variant Classification Summary - May 2015. Collection method: clinical testing. Allele origin: germline.
Comment: Variant summary: GLDC c.1033C>A (p.Pro345Thr) results in a non-conservative amino acid change located in the Glycine cleavage system P-protein, N-terminal domain (IPR049315) of the encoded protein sequence. Algorithms developed to predict the effect of missense changes on protein structure and function all suggest that this variant is likely to be disruptive. The variant allele was found at a frequency of 8e-06 in 251356 control chromosomes. The available data on variant occurrences in the general population are insufficient to allow any conclusion about variant significance. c.1033C>A has been reported in the literature in at-least one compound heterozygous individual affected with Glycine Encephalopathy (Non-Ketotic Hyperglycinemia) (example: Coughlin_2017). These data do not allow any conclusion about variant significance. To our knowledge, no experimental evidence demonstrating an impact on protein function has been reported. The following publication has been ascertained in the context of this evaluation (PMID: 27362913). ClinVar contains an entry for this variant (Variation ID: 554913). Based on the evidence outlined above, the variant was classified as uncertain significance.

GeneDx
Classification: Uncertain significance. Last evaluated: 2023-03-13. Review status: criteria provided, single submitter. Criteria: GeneDx Variant Classification Process June 2021. Collection method: clinical testing. Allele origin: germline.
Comment: Not observed at significant frequency in large population cohorts (gnomAD); In silico analysis supports that this missense variant has a deleterious effect on protein structure/function; This variant is associated with the following publications: (PMID: 27362913)

Counsyl
Classification: Uncertain significance for Glycine encephalopathy 1. Last evaluated: 2017-11-08. Review status: no assertion criteria provided. Collection method: clinical testing. Allele origin: unknown. Not counted in ClinVar's aggregate classification.

Literature cited by the submitters: PubMed 27362913 (cited by 4 submitters); PubMed 29300369 (cited by Ambry Genetics).